The following is an entry in ClinVar:

NM_000256.3(MYBPC3):c.1246_1252delinsAGCCAGTGCTC (p.Gly416fs)

Gene: MYBPC3 (myosin binding protein C3; minus strand). Cytogenetic location: 11p11.2.
Variant type: Indel.
Coding change: c.1246_1252delinsAGCCAGTGCTC on transcript NM_000256.3 (MANE Select); coding-DNA positions 1246 to 1252, GGTGCCA replaced by AGCCAGTGCTC.
Protein change: p.Gly416fs; shifts the reading frame from glycine 416.
Molecular consequence: frameshift variant.
Genome position (GRCh38, 1-based): chr11:47,343,120-47,343,126, TGGCACC replaced by GAGCACTGGCT on the plus strand (GGTGCCA replaced by AGCCAGTGCTC on the coding strand, the reverse complement: MYBPC3 is on the minus strand). VCF-style: chr11-47343120-TGGCACC-GAGCACTGGCT. GRCh37 (hg19) VCF-style: chr11-47364671-TGGCACC-GAGCACTGGCT.
Other names: short protein forms G416fs.
Identifiers: ClinVar variation 4281595 (VCV004281595.7).
Genomic context (GRCh38, chr11:47,343,120, plus strand): 5'-CCACGCACTGGTAGGCTGCGTCGTCCGCCAATGAGCACTGGCTGATGGTCAGGGTACGCT[TGGCACC>GAGCACTGGCT]GATGGACTCAAAGATGTACCTGGGTGGGGGCCGCAGGGAAGTGGCAGGAAAGCTGCGGAC-3'

ClinVar aggregate classification (germline): Pathogenic (1 of 4 stars; one submission).

Submission:

CeGaT Center for Human Genetics Tuebingen
Classification: Pathogenic. Last evaluated: 2025-09-01. Review status: criteria provided, single submitter. Criteria: CeGaT Center For Human Genetics Tuebingen Variant Classification Criteria Version 2. Collection method: clinical testing. Allele origin: germline. Affected: yes. Observed: 1 variant allele.
Comment: MYBPC3: PVS1, PM2, PS4:Supporting